The following is an entry in ClinVar:

ClinVar aggregate classification (germline): Uncertain significance. Review status: criteria provided, multiple submitters, no conflicts (2 of 4 stars). 2 submissions from 2 submitters: Uncertain significance (2). Last evaluated 2025-10-23.

Allele frequency attached by ClinVar (database versions not stated): TOPMed below 0.00001; ExAC 0.00001; gnomAD exomes below 0.00001.
gnomAD v4.1: 6 of 1,609,748 alleles (0.00037%); highest among the groups gnomAD compares: Non-Finnish European, 0.00043%; no homozygotes.

Submissions (2):

Ambry Genetics
Classification: Uncertain significance. Last evaluated: 2025-10-23. Review status: criteria provided, single submitter. Criteria: Ambry Variant Classification Scheme 2023. Collection method: clinical testing. Allele origin: germline.

Labcorp Genetics (formerly Invitae), Labcorp
Classification: Uncertain significance. Last evaluated: 2025-04-11. Review status: criteria provided, single submitter. Criteria: Invitae Variant Classification Sherloc (09022015). Collection method: clinical testing. Allele origin: germline.
Comment: This sequence change replaces leucine, which is neutral and non-polar, with methionine, which is neutral and non-polar, at codon 340 of the IFT88 protein (p.Leu340Met). This variant is present in population databases (rs755711708, gnomAD 0.002%). This variant has not been reported in the literature in individuals affected with IFT88-related conditions. ClinVar contains an entry for this variant (Variation ID: 2961205). An algorithm developed to predict the effect of missense changes on protein structure and function (PolyPhen-2) suggests that this variant is likely to be disruptive. In summary, the available evidence is currently insufficient to determine the role of this variant in disease. Therefore, it has been classified as a Variant of Uncertain Significance.

NM_006531.5(IFT88):c.991T>A (p.Leu331Met)

Gene: IFT88 (intraflagellar transport 88; plus strand). Cytogenetic location: 13q12.11.
Variant type: single nucleotide variant.
Coding change: c.991T>A on transcript NM_006531.5 (MANE Select); coding-DNA position 991, T replaced by A.
Protein change: p.Leu331Met; replaces leucine 331 with methionine.
Molecular consequence: missense variant. On other transcripts: non-coding transcript variant (5).
Genome position (GRCh38, 1-based): chr13:20,601,883, T>A. VCF-style: chr13-20601883-T-A. GRCh37 (hg19) VCF-style: chr13-21176022-T-A.
Other names: c.916T>A, p.Leu306Met (NM_001353570.2, NM_001353576.2, NM_001353577.2 and 1 more transcripts); c.889T>A, p.Leu297Met (NM_001353571.2, NM_001353578.2); c.991T>A, p.Leu331Met (NM_001353572.2, NM_001353568.2); c.934T>A, p.Leu312Met (NM_001353573.2, NM_001353575.2, NM_001318491.2); c.832T>A, p.Leu278Met (NM_001353574.2); c.358T>A, p.Leu120Met (NM_001353579.2); c.1018T>A, p.Leu340Met (NM_175605.5, NM_001318493.2, NM_001353565.2 and 2 more transcripts); c.1018T>A (NM_175605.3); short protein forms L278M, L306M, L297M, L331M, L312M, L120M, L340M.
Identifiers: ClinVar variation 2961205 (VCV002961205.4), dbSNP rs755711708, ClinGen allele CA6905230.
Genomic context (GRCh38, chr13:20,601,883, plus strand): 5'-CTAACTATCTGTTATTTTGCTATTGGAGACCGAGAAAAAATGAAGAAGGCATTCCAAAAA[T>A]TGATTACTGTTCCATTAGAAATTGATGAAGATAAATATATTTCACCAAGTGTGAGTATGA-3'
Protein context (NP_006522.2, residues 321-341): REKMKKAFQK[Leu331Met]ITVPLEIDED